The following is an entry in ClinVar:

NM_000465.4(BARD1):c.1672T>A (p.Ser558Thr)

Gene: BARD1 (BRCA1 associated RING domain 1; minus strand). Cytogenetic location: 2q35.
Variant type: single nucleotide variant.
Coding change: c.1672T>A on transcript NM_000465.4 (MANE Select); coding-DNA position 1672, T replaced by A.
Protein change: p.Ser558Thr; replaces serine 558 with threonine.
Molecular consequence: missense variant. On other transcripts: non-coding transcript variant (3), intron variant (1).
Genome position (GRCh38, 1-based): chr2:214,752,452, A>T on the plus strand (T>A on the coding strand, the complement: BARD1 is on the minus strand). VCF-style: chr2-214752452-A-T. GRCh37 (hg19) VCF-style: chr2-215617176-A-T.
Other names: c.1615T>A, p.Ser539Thr (NM_001282543.2); c.319T>A, p.Ser107Thr (NM_001282545.2); c.262T>A, p.Ser88Thr (NM_001282548.2); c.365-21944T>A (NM_001282549.2); short protein forms S107T, S539T, S558T, S88T.
Identifiers: ClinVar variation 2102026 (VCV002102026.4), dbSNP rs587782122, ClinGen allele CA350454524.

ClinVar aggregate classification (germline): Uncertain significance (1 of 4 stars; one submission).

Conditions:
Familial cancer of breast. Also called: Hereditary breast cancer; hereditary breast carcinoma; BREAST CANCER, FAMILIAL. Identifiers: Orphanet 227535, MedGen C0346153, MONDO:0016419, OMIM 114480. Disease mechanism: loss of function.

gnomAD v4.1: 4 of 1,606,006 alleles (0.00025%); highest among the groups gnomAD compares: Non-Finnish European, 0.00026%; no homozygotes.

Submission:

Labcorp Genetics (formerly Invitae), Labcorp
Classification: Uncertain significance for Familial cancer of breast. Last evaluated: 2022-05-07. Review status: criteria provided, single submitter. Criteria: Invitae Variant Classification Sherloc (09022015). Collection method: clinical testing. Allele origin: germline.
Comment: Algorithms developed to predict the effect of missense changes on protein structure and function (SIFT, PolyPhen-2, Align-GVGD) all suggest that this variant is likely to be tolerated. This variant has not been reported in the literature in individuals affected with BARD1-related conditions. This variant is present in population databases (no rsID available, gnomAD 0.0009%). This sequence change replaces serine, which is neutral and polar, with threonine, which is neutral and polar, at codon 558 of the BARD1 protein (p.Ser558Thr). In summary, the available evidence is currently insufficient to determine the role of this variant in disease. Therefore, it has been classified as a Variant of Uncertain Significance.